The following is an entry in ClinVar:

NM_001035.3(RYR2):c.643G>A (p.Ala215Thr)

Gene: RYR2 (ryanodine receptor 2; plus strand). Cytogenetic location: 1q43.
Variant type: single nucleotide variant.
Coding change: c.643G>A on transcript NM_001035.3 (MANE Select); coding-DNA position 643, G replaced by A.
Protein change: p.Ala215Thr; replaces alanine 215 with threonine.
Molecular consequence: missense variant.
Genome position (GRCh38, 1-based): chr1:237,387,347, G>A. VCF-style: chr1-237387347-G-A. GRCh37 (hg19) VCF-style: chr1-237550647-G-A.
Other names: c.643G>A (NM_001035.2); short protein forms A215T.
Identifiers: ClinVar variation 920584 (VCV000920584.8), dbSNP rs1278679578, ClinGen allele CA345377466.

ClinVar aggregate classification (germline): Uncertain significance. Review status: criteria provided, multiple submitters, no conflicts (2 of 4 stars). 3 submissions from 3 submitters: Uncertain significance (3). Last evaluated 2024-03-06.

Conditions:
Cardiovascular phenotype. Identifiers: MedGen CN230736.
Catecholaminergic polymorphic ventricular tachycardia (CVPT). Also called: Catecholamine-induced polymorphic ventricular tachycardia. Identifiers: Orphanet 3286, MedGen C5574922, MONDO:0017990.
Cardiomyopathy (CMYO). Also called: Cardiomyopathies. Identifiers: Orphanet 167848, MedGen C0878544, MONDO:0004994, HP:0001638. Inheritance: Various modes of inheritance.

Allele frequency attached by ClinVar (database versions not stated): gnomAD exomes below 0.00001.
gnomAD v4.1: 1 of 1,613,976 alleles (0.000062%); highest among the groups gnomAD compares: Non-Finnish European, 0.000085%; no homozygotes.

Submissions (3):

Color Diagnostics, LLC DBA Color Health
Classification: Uncertain significance for Cardiomyopathy. Last evaluated: 2024-03-06. Review status: criteria provided, single submitter. Criteria: ACMG Guidelines, 2015. Collection method: clinical testing. Allele origin: germline.
Comment: This variant is located in the RYR2 protein. Computational prediction suggests that this variant may not impact protein structure and function (internally defined REVEL score threshold <= 0.5, PMID: 27666373). To our knowledge, functional studies have not been reported for this variant. This variant has not been reported in individuals affected with cardiovascular disorders in the literature. This variant has not been identified in the general population by the Genome Aggregation Database (gnomAD). The available evidence is insufficient to determine the role of this variant in disease conclusively. Therefore, this variant is classified as a Variant of Uncertain Significance.

All of Us Research Program, National Institutes of Health
Classification: Uncertain significance for Catecholaminergic polymorphic ventricular tachycardia. Last evaluated: 2024-03-05. Review status: criteria provided, single submitter. Criteria: ACMG Guidelines, 2015. Collection method: clinical testing. Allele origin: germline. Inheritance: Autosomal dominant inheritance. Observed: 3 variant alleles, 3 heterozygotes.
Comment: This variant is located in the RYR2 protein. Computational prediction suggests that this variant may not impact protein structure and function (internally defined REVEL score threshold <= 0.5, PMID: 27666373). To our knowledge, functional studies have not been reported for this variant. This variant has not been reported in individuals affected with cardiovascular disorders in the literature. This variant has not been identified in the general population by the Genome Aggregation Database (gnomAD). The available evidence is insufficient to determine the role of this variant in disease conclusively. Therefore, this variant is classified as a Variant of Uncertain Significance.

This study involves interpretation of variants in research participants for the purpose of population health screening. Participant phenotype was not available at the time of variant classification. Additional details can be found in publication PMID: 35346344, PMCID: PMC8962531

Ambry Genetics
Classification: Uncertain significance for Cardiovascular phenotype. Last evaluated: 2024-01-03. Review status: criteria provided, single submitter. Criteria: Ambry Variant Classification Scheme 2023. Collection method: clinical testing. Allele origin: germline.
Comment: The p.A215T variant (also known as c.643G>A), located in coding exon 9 of the RYR2 gene, results from a G to A substitution at nucleotide position 643. The alanine at codon 215 is replaced by threonine, an amino acid with similar properties. This amino acid position is not well conserved in available vertebrate species. In addition, the in silico prediction for this alteration is inconclusive. Since supporting evidence is limited at this time, the clinical significance of this alteration remains unclear.